The following is an entry in ClinVar:

NM_020928.2(ZSWIM6):c.1280G>A (p.Arg427Gln)

Gene: ZSWIM6 (zinc finger SWIM-type containing 6; plus strand). Cytogenetic location: 5q12.1.
Variant type: single nucleotide variant.
Coding change: c.1280G>A on transcript NM_020928.2 (MANE Select); coding-DNA position 1280, G replaced by A.
Protein change: p.Arg427Gln; replaces arginine 427 with glutamine.
Molecular consequence: missense variant.
Genome position (GRCh38, 1-based): chr5:61,494,357, G>A. VCF-style: chr5-61494357-G-A. GRCh37 (hg19) VCF-style: chr5-60790184-G-A.
Other names: c.1280G>A (NM_020928.1); short protein forms R427Q.
Identifiers: ClinVar variation 2438698 (VCV002438698.7), dbSNP rs988985707, ClinGen allele CA119659329.

ClinVar aggregate classification (germline): Uncertain significance. Review status: criteria provided, multiple submitters, no conflicts (2 of 4 stars). 3 submissions from 3 submitters: Uncertain significance (3). Last evaluated 2025-10-30.

Conditions:
Inborn genetic diseases. Identifiers: MedGen C0950123, MeSH D030342.

Allele frequency attached by ClinVar (database versions not stated): gnomAD 0.00001; gnomAD exomes 0.00001.
gnomAD v4.1: 12 of 1,550,956 alleles (0.00077%); highest among the groups gnomAD compares: Admixed American, 0.002%; no homozygotes.

Submissions (3):

Ambry Genetics
Classification: Uncertain significance for Inborn genetic diseases. Last evaluated: 2025-10-30. Review status: criteria provided, single submitter. Criteria: Ambry Variant Classification Scheme 2023. Collection method: clinical testing. Allele origin: germline.

Labcorp Genetics (formerly Invitae), Labcorp
Classification: Uncertain significance. Last evaluated: 2022-12-02. Review status: criteria provided, single submitter. Criteria: Invitae Variant Classification Sherloc (09022015). Collection method: clinical testing. Allele origin: germline.
Comment: In summary, the available evidence is currently insufficient to determine the role of this variant in disease. Therefore, it has been classified as a Variant of Uncertain Significance. Advanced modeling of protein sequence and biophysical properties (such as structural, functional, and spatial information, amino acid conservation, physicochemical variation, residue mobility, and thermodynamic stability) performed at Invitae indicates that this missense variant is not expected to disrupt ZSWIM6 protein function. This variant has not been reported in the literature in individuals affected with ZSWIM6-related conditions. This variant is present in population databases (no rsID available, gnomAD 0.004%). This sequence change replaces arginine, which is basic and polar, with glutamine, which is neutral and polar, at codon 427 of the ZSWIM6 protein (p.Arg427Gln).

Revvity Omics, Revvity
Classification: Uncertain significance. Last evaluated: 2022-08-24. Review status: criteria provided, single submitter. Criteria: ACMG Guidelines, 2015. Collection method: clinical testing. Allele origin: germline.